The following is an entry in ClinVar:

NM_005228.5(EGFR):c.2782G>C (p.Glu928Gln)

Gene: EGFR (epidermal growth factor receptor; plus strand). Cytogenetic location: 7p11.2.
Variant type: single nucleotide variant.
Coding change: c.2782G>C on transcript NM_005228.5 (MANE Select); coding-DNA position 2782, G replaced by C.
Protein change: p.Glu928Gln; replaces glutamic acid 928 with glutamine.
Molecular consequence: missense variant.
Genome position (GRCh38, 1-based): chr7:55,198,797, G>C. VCF-style: chr7-55198797-G-C. GRCh37 (hg19) VCF-style: chr7-55266490-G-C.
Other names: c.1981G>C, p.Glu661Gln (NM_001346941.2); c.2647G>C, p.Glu883Gln (NM_001346897.2, NM_001346899.2); c.2782G>C, p.Glu928Gln (NM_001346898.2); c.2623G>C, p.Glu875Gln (NM_001346900.2); short protein forms E661Q, E875Q, E883Q, E928Q.
Identifiers: ClinVar variation 3711137 (VCV003711137.4).

ClinVar aggregate classification (germline): Uncertain significance. Review status: criteria provided, multiple submitters, no conflicts (2 of 4 stars). 3 submissions from 3 submitters: Uncertain significance (3). Last evaluated 2025-02-26.

Conditions:
Hereditary cancer-predisposing syndrome. Also called: Hereditary neoplastic syndrome; Neoplastic Syndromes, Hereditary; Tumor predisposition; Hereditary Cancer Syndrome. Identifiers: Orphanet 140162, MedGen C0027672, MeSH D009386, MONDO:0015356.
EGFR-related lung cancer (EGFR). Identifiers: MedGen CN130014.

Submissions (3):

Ambry Genetics
Classification: Uncertain significance for Hereditary cancer-predisposing syndrome. Last evaluated: 2025-02-26. Review status: criteria provided, single submitter. Criteria: Ambry Variant Classification Scheme 2023. Collection method: clinical testing. Allele origin: germline.
Comment: The p.E928Q variant (also known as c.2782G>C), located in coding exon 23 of the EGFR gene, results from a G to C substitution at nucleotide position 2782. The glutamic acid at codon 928 is replaced by glutamine, an amino acid with highly similar properties. This amino acid position is conserved. In addition, the in silico prediction for this alteration is inconclusive. Based on the available evidence, the clinical significance of this variant remains unclear.

Labcorp Genetics (formerly Invitae), Labcorp
Classification: Uncertain significance for EGFR-related lung cancer. Last evaluated: 2024-06-05. Review status: criteria provided, single submitter. Criteria: Invitae Variant Classification Sherloc (09022015). Collection method: clinical testing. Allele origin: germline.
Comment: This sequence change replaces glutamic acid, which is acidic and polar, with glutamine, which is neutral and polar, at codon 928 of the EGFR protein (p.Glu928Gln). This variant is not present in population databases (gnomAD no frequency). This variant has not been reported in the literature in individuals affected with EGFR-related conditions. Advanced modeling of protein sequence and biophysical properties (such as structural, functional, and spatial information, amino acid conservation, physicochemical variation, residue mobility, and thermodynamic stability) performed at Invitae indicates that this missense variant is expected to disrupt EGFR protein function with a positive predictive value of 80%. In summary, the available evidence is currently insufficient to determine the role of this variant in disease. Therefore, it has been classified as a Variant of Uncertain Significance.

Blueprint Genetics
Classification: Uncertain significance. Last evaluated: 2024-01-19. Review status: criteria provided, single submitter. Criteria: ACMG Guidelines, 2015. Collection method: clinical testing. Allele origin: germline.